The following is an entry in ClinVar:

ClinVar aggregate classification (germline): Pathogenic (1 of 4 stars; one submission).

Conditions:
Tuberous sclerosis 1 (TSC1). Identifiers: Orphanet 805, MedGen C1854465, MONDO:0008612, OMIM 191100.

Submission:

Labcorp Genetics (formerly Invitae), Labcorp
Classification: Pathogenic for Tuberous sclerosis 1. Last evaluated: 2020-02-02. Review status: criteria provided, single submitter. Criteria: Invitae Variant Classification Sherloc (09022015). Collection method: clinical testing. Allele origin: germline.
Comment: For these reasons, this variant has been classified as Pathogenic. Loss-of-function variants in TSC1 are known to be pathogenic (PMID: 10227394, 17304050). This variant has not been reported in the literature in individuals with TSC1-related conditions. This variant is not present in population databases (ExAC no frequency). This sequence change creates a premature translational stop signal (p.Arg316Serfs*25) in the TSC1 gene. It is expected to result in an absent or disrupted protein product.

Literature cited by the submitters: PubMed 10227394; PubMed 17304050.

NM_000368.5(TSC1):c.945dup (p.Arg316fs)

Gene: TSC1 (TSC complex subunit 1; minus strand). Cytogenetic location: 9q34.13.
Variant type: Duplication.
Coding change: c.945dup on transcript NM_000368.5 (MANE Select); coding-DNA position 945, one base duplicated (T; older notation c.945dupT).
Protein change: p.Arg316fs; shifts the reading frame from arginine 316.
Molecular consequence: frameshift variant.
Genome position (GRCh38, 1-based): chr9:132,911,537, A duplicated on the plus strand (T on the coding strand, the reverse complement: TSC1 is on the minus strand). VCF-style (leftmost placement, unchanged base first): chr9-132911536-G-GA. GRCh37 (hg19) VCF-style: chr9-135786923-G-GA.
Other names: c.945dup, p.Arg316fs (NM_001162426.2); c.792dup, p.Arg265fs (NM_001162427.2); c.582dup, p.Arg195fs (NM_001362177.2); short protein forms R195fs, R265fs, R316fs.
Identifiers: ClinVar variation 1073516 (VCV001073516.7), dbSNP rs2131980428, ClinGen allele CA2499219724.